The following is an entry in ClinVar:

ClinVar aggregate classification (germline): Uncertain significance (1 of 4 stars; one submission).

gnomAD v4.1: 27 of 1,612,576 alleles (0.0017%); highest among the groups gnomAD compares: Non-Finnish European, 0.0019%; no homozygotes.

Submission:

GeneDx
Classification: Uncertain significance. Last evaluated: 2023-07-30. Review status: criteria provided, single submitter. Criteria: GeneDx Variant Classification Process June 2021. Collection method: clinical testing. Allele origin: germline. Affected: yes.
Comment: In silico analysis supports that this missense variant has a deleterious effect on protein structure/function; Has not been previously published as pathogenic or benign to our knowledge

NM_025074.7(FRAS1):c.9104A>G (p.Asn3035Ser)

Gene: FRAS1 (Fraser extracellular matrix complex subunit 1; plus strand). Cytogenetic location: 4q21.21.
Variant type: single nucleotide variant.
Coding change: c.9104A>G on transcript NM_025074.7 (MANE Select); coding-DNA position 9104, A replaced by G.
Protein change: p.Asn3035Ser; replaces asparagine 3035 with serine.
Molecular consequence: missense variant.
Genome position (GRCh38, 1-based): chr4:78,496,950, A>G. VCF-style: chr4-78496950-A-G. GRCh37 (hg19) VCF-style: chr4-79418104-A-G.
Other names: short protein forms N3035S.
Identifiers: ClinVar variation 3361542 (VCV003361542.1).